The following is an entry in ClinVar:

ClinVar aggregate classification (germline): Uncertain significance (1 of 4 stars; one submission).

Allele frequency attached by ClinVar (database versions not stated): gnomAD exomes below 0.00001.
gnomAD v4.1: 6 of 1,611,764 alleles (0.00037%); highest among the groups gnomAD compares: Non-Finnish European, 0.00042%; no homozygotes.

Submission:

Labcorp Genetics (formerly Invitae), Labcorp
Classification: Uncertain significance. Last evaluated: 2022-09-12. Review status: criteria provided, single submitter. Criteria: Invitae Variant Classification Sherloc (09022015). Collection method: clinical testing. Allele origin: germline.
Comment: This variant is present in population databases (rs577543676, gnomAD 0.0009%). In summary, the available evidence is currently insufficient to determine the role of this variant in disease. Therefore, it has been classified as a Variant of Uncertain Significance. Algorithms developed to predict the effect of sequence changes on RNA splicing suggest that this variant may disrupt the consensus splice site. This variant has not been reported in the literature in individuals affected with MRPL3-related conditions. This sequence change affects codon 201 of the MRPL3 mRNA. It is a 'silent' change, meaning that it does not change the encoded amino acid sequence of the MRPL3 protein.

NM_007208.4(MRPL3):c.603A>G (p.Gly201=)

Gene: MRPL3 (mitochondrial ribosomal protein L3; minus strand). Cytogenetic location: 3q22.1.
Variant type: single nucleotide variant.
Coding change: c.603A>G on transcript NM_007208.4 (MANE Select); coding-DNA position 603, A replaced by G.
Protein change: p.Gly201=; no amino-acid change (glycine 201 retained).
Molecular consequence: synonymous variant.
Genome position (GRCh38, 1-based): chr3:131,487,706, T>C on the plus strand (A>G on the coding strand, the complement: MRPL3 is on the minus strand). VCF-style: chr3-131487706-T-C. GRCh37 (hg19) VCF-style: chr3-131206550-T-C.
Identifiers: ClinVar variation 2136583 (VCV002136583.4), dbSNP rs577543676, ClinGen allele CA83520698.